The following is an entry in ClinVar:

ClinVar aggregate classification (germline): Pathogenic (1 of 4 stars; one submission).

Conditions:
Familial cancer of breast. Also called: BREAST CANCER, FAMILIAL; hereditary breast carcinoma; Hereditary breast cancer. Identifiers: Orphanet 227535, MedGen C0346153, MONDO:0016419, OMIM 114480. Disease mechanism: loss of function.

Submission:

Myriad Genetics, Inc.
Classification: Pathogenic for Familial cancer of breast. Last evaluated: 2023-06-07. Review status: criteria provided, single submitter. Criteria: Myriad Autosomal Dominant, Autosomal Recessive and X-Linked Classification Criteria (2023). Collection method: clinical testing. Allele origin: unknown.
Comment: This variant is considered pathogenic. This variant creates a frameshift predicted to result in premature protein truncation.

NM_032043.3(BRIP1):c.2864del (p.Asn955fs)

Gene: BRIP1 (BRCA1 interacting DNA helicase 1; minus strand). Cytogenetic location: 17q23.2.
Variant type: Deletion.
Coding change: c.2864del on transcript NM_032043.3 (MANE Select); coding-DNA position 2864, one base deleted (A; older notation c.2864delA).
Protein change: p.Asn955fs; shifts the reading frame from asparagine 955.
Molecular consequence: frameshift variant.
Genome position (GRCh38, 1-based): chr17:61,685,877, T deleted on the plus strand (A on the coding strand, the reverse complement: BRIP1 is on the minus strand); the first of 5 consecutive T bases (chr17:61,685,877-61,685,881); deleting any one gives the same sequence. VCF-style (leftmost placement, unchanged base first): chr17-61685876-AT-A. GRCh37 (hg19) VCF-style: chr17-59763237-AT-A.
Other names: short protein forms N955fs.
Identifiers: ClinVar variation 2584268 (VCV002584268.2), dbSNP rs2144108674, ClinGen allele CA2582342314.